The following is an entry in ClinVar:

Conditions:
Breast-ovarian cancer, familial, susceptibility to, 1 (BROVCA1). Also called: BRCA1 Hereditary Breast and Ovarian Cancer; OVARIAN CANCER, SUSCEPTIBILITY TO. Identifiers: Orphanet 145, MedGen C2676676, MONDO:0011450, OMIM 604370. Disease mechanism: loss of function.

Submission:

Brotman Baty Institute, University of Washington
No classification provided (evidence only). Condition: Breast-ovarian cancer, familial 1. Review status: no classification provided. Collection method: in vitro. Allele origin: not applicable. Functional consequence: functionally_normal.
ClinVar note: "not provided" was previously submitted as the classification for the variant. However, the classification appeared to be based only on an observation of functional data so it was converted to no classification on 2025-07-30.

NM_007294.4(BRCA1):c.5452G>T (p.Asp1818Tyr)

Gene: BRCA1 (BRCA1 DNA repair associated; minus strand). Cytogenetic location: 17q21.31.
Variant type: single nucleotide variant.
Coding change: c.5452G>T on transcript NM_007294.4 (MANE Select); coding-DNA position 5452, G replaced by T.
Protein change: p.Asp1818Tyr; replaces aspartic acid 1818 with tyrosine.
Molecular consequence: missense variant. On other transcripts: non-coding transcript variant (1).
Genome position (GRCh38, 1-based): chr17:43,047,658, C>A on the plus strand (G>T on the coding strand, the complement: BRCA1 is on the minus strand). VCF-style: chr17-43047658-C-A. GRCh37 (hg19) VCF-style: chr17-41199675-C-A.
Other names: c.5239G>T, p.Asp1747Tyr (NM_001407571.1, NM_001407907.1, NM_001407908.1 and 12 more transcripts); c.5518G>T, p.Asp1840Tyr (NM_001407581.1, NM_001407582.1); c.5515G>T, p.Asp1839Tyr (NM_001407583.1, NM_001407585.1, NM_001407587.1 and 1 more transcripts); c.5512G>T, p.Asp1838Tyr (NM_001407590.1, NM_001407591.1); c.5452G>T, p.Asp1818Tyr (NM_001407593.1, NM_001407594.1, NM_001407596.1 and 5 more transcripts); c.5449G>T, p.Asp1817Tyr (NM_001407614.1, NM_001407615.1, NM_001407616.1 and 14 more transcripts); c.5446G>T, p.Asp1816Tyr (NM_001407633.1, NM_001407634.1, NM_001407635.1 and 13 more transcripts); c.5374G>T, p.Asp1792Tyr (NM_001407655.1, NM_001407652.1, NM_001407653.1 and 1 more transcripts); and 83 more; short protein forms D1818Y, D714Y, D1839Y, G689V, D1771Y, D1664Y, D1705Y, D1706Y.
Identifiers: ClinVar variation 865534 (VCV000865534.3), dbSNP rs2050981068, ClinGen allele CA10590483.
Genomic context (GRCh38, chr17:43,047,658, plus strand): 5'-ATGCAAAAGGACCCCATATAGCACAGGTACATGCAGGCACCTTACCATGGAAGCCATTGT[C>A]CTCTGTCCAGGCATCTGGCTGCACAACCACAATTGGGTGGACACCCTGGATCCCCAGGAA-3'
Protein context (NP_009225.1, residues 1808-1828): VVVQPDAWTE[Asp1818Tyr]NGFHAIGQMC